The following is an entry in ClinVar:

Conditions:
Long QT syndrome 5 (LQT5). Identifiers: Orphanet 101016, Orphanet 768, MedGen C1867904, MONDO:0013372, OMIM 613695.

Submission:

Roden Lab, Vanderbilt University Medical Center
No classification provided (evidence only). Condition: Long QT syndrome 5. Review status: no classification provided. Collection method: in vitro. Allele origin: not applicable. Functional consequence: Effect on ion channel function.
ClinVar note: "not provided" was previously submitted as the classification for the variant. However, the classification appeared to be based only on an observation of functional data so it was converted to no classification on 2025-07-30.

NM_000219.6(KCNE1):c.253G>T (p.Asp85Tyr)

Gene: KCNE1 (potassium voltage-gated channel subfamily E regulatory subunit 1; minus strand). Cytogenetic location: 21q22.12.
Variant type: single nucleotide variant.
Coding change: c.253G>T on transcript NM_000219.6 (MANE Select); coding-DNA position 253, G replaced by T.
Protein change: p.Asp85Tyr; replaces aspartic acid 85 with tyrosine.
Molecular consequence: missense variant.
Genome position (GRCh38, 1-based): chr21:34,449,382, C>A on the plus strand (G>T on the coding strand, the complement: KCNE1 is on the minus strand). VCF-style: chr21-34449382-C-A. GRCh37 (hg19) VCF-style: chr21-35821680-C-A.
Other names: c.253G>T, p.Asp85Tyr (NM_001127668.4, NM_001127669.4, NM_001127670.4 and 4 more transcripts); short protein forms D85Y.
Identifiers: ClinVar variation 3374447 (VCV003374447.2).